The following is an entry in ClinVar:

NM_014270.5(SLC7A9):c.265del (p.Thr88_Met89insTer)

Gene: SLC7A9 (solute carrier family 7 member 9; minus strand). Cytogenetic location: 19q13.11.
Variant type: Deletion.
Coding change: c.265del on transcript NM_014270.5 (MANE Select); coding-DNA position 265, one base deleted (A; older notation c.265delA).
Protein change: p.Thr88_Met89insTer.
Molecular consequence: nonsense.
Genome position (GRCh38, 1-based): chr19:32,864,309, T deleted on the plus strand (A on the coding strand, the reverse complement: SLC7A9 is on the minus strand); the first of 2 consecutive T bases (chr19:32,864,309-32,864,310); deleting either gives the same sequence. VCF-style (leftmost placement, unchanged base first): chr19-32864308-AT-A. GRCh37 (hg19) VCF-style: chr19-33355214-AT-A.
Other names: c.265del, p.Thr88_Met89insTer (NM_001126335.2, NM_001243036.2).
Identifiers: ClinVar variation 1687561 (VCV001687561.1), dbSNP rs2145846311, ClinGen allele CA2573156228.

ClinVar aggregate classification (germline): Likely pathogenic (1 of 4 stars; one submission).

Conditions:
Cystinuria (CSNU). Also called: CYSTINURIA, TYPE I; CYSTINURIA, TYPE II; CYSTINURIA, TYPE III; Cystinuria, non-type I. Identifiers: Orphanet 214, MedGen C0010691, MONDO:0009067, OMIM 220100, HP:0003131.

Submission:

3billion
Classification: Likely pathogenic for Cystinuria. Last evaluated: 2022-05-22. Review status: criteria provided, single submitter. Criteria: ACMG Guidelines, 2015. Collection method: clinical testing. Allele origin: germline. Affected: yes. Observed: 1 heterozygote.
Comment: The variant is not observed in the gnomAD v2.1.1 dataset. Frameshift: predicted to result in a loss or disruption of normal protein function through nonsense-mediated decay (NMD) or protein truncation. Multiple pathogenic variants are reported downstream of the variant. Therefore, this variant is classified as likely pathogenic according to the recommendation of ACMG/AMP guideline.